The following is an entry in ClinVar:

NM_000297.4(PKD2):c.2436dup (p.Glu813Ter)

Gene: PKD2 (polycystin 2, transient receptor potential cation channel; plus strand). Cytogenetic location: 4q22.1.
Variant type: Duplication.
Coding change: c.2436dup on transcript NM_000297.4 (MANE Select); coding-DNA position 2436, one base duplicated (T; older notation c.2436dupT).
Protein change: p.Glu813Ter; replaces glutamic acid 813 with a stop codon.
Molecular consequence: nonsense. On other transcripts: non-coding transcript variant (1).
Genome position (GRCh38, 1-based): chr4:88,067,975, T duplicated. VCF-style (leftmost placement, unchanged base first): chr4-88067974-C-CT. GRCh37 (hg19) VCF-style: chr4-88989126-C-CT.
Other names: short protein forms E813*.
Identifiers: ClinVar variation 3382028 (VCV003382028.2).
Genomic context (GRCh38, chr4:88,067,974, plus strand): 5'-ATCACAGTTCTTTACCACGTCCCATGAGCAGCCGAAGTTTCCCTCGAAGCCTGGATGACT[C>CT]TGAGGAGGATGACGATGAAGATAGCGGACATAGCTCCAGAAGGAGGGGAAGCATTTCTAG-3'

ClinVar aggregate classification (germline): Pathogenic (1 of 4 stars; one submission).

Conditions:
Polycystic kidney disease 2 (PKD2). Also called: POLYCYSTIC KIDNEY DISEASE, ADULT, TYPE II; Polycystic Kidney Disease 2, Autosomal Dominant; POLYCYSTIC KIDNEY DISEASE 2 WITH OR WITHOUT POLYCYSTIC LIVER DISEASE. Identifiers: MedGen C2751306, MONDO:0013131, OMIM 613095.

Submission:

Juno Genomics, Hangzhou Juno Genomics, Inc
Classification: Pathogenic for Polycystic kidney disease 2. Review status: criteria provided, single submitter. Criteria: ACMG Guidelines, 2015. Collection method: clinical testing. Allele origin: germline. Affected: yes.
Comment: Null variant in a gene where loss of function (LOF) is a known mechanism of disease.;Absent from controls (or at extremely low frequency if recessive) in Genome Aggregation Database, Exome Sequencing Project, 1000 Genomes Project, or Exome Aggregation Consortium.;Co-segregation with disease in multiple affected family members in a gene definitively known to cause the disease.;The prevalence of the variant in affected individuals is significantly increased compared to the prevalence in controls.;Patient's phenotype or family history is highly specific for a disease with a single genetic etiology.